The following is an entry in ClinVar:

NM_000273.3(GPR143):c.141G>C (p.Gln47His)

Gene: GPR143 (G protein-coupled receptor 143; minus strand). Cytogenetic location: Xp22.2.
Variant type: single nucleotide variant.
Coding change: c.141G>C on transcript NM_000273.3 (MANE Select); coding-DNA position 141, G replaced by C.
Protein change: p.Gln47His; replaces glutamine 47 with histidine.
Molecular consequence: missense variant.
Genome position (GRCh38, 1-based): chrX:9,765,677, C>G on the plus strand (G>C on the coding strand, the complement: GPR143 is on the minus strand). VCF-style: chrX-9765677-C-G. GRCh37 (hg19) VCF-style: chrX-9733717-C-G.
Other names: c.141G>C, p.Gln47His (NM_001440781.1); short protein forms Q47H.
Identifiers: ClinVar variation 4540271 (VCV004540271.1).

ClinVar aggregate classification (germline): Uncertain significance (1 of 4 stars; one submission).

Submission:

GeneDx
Classification: Uncertain significance. Last evaluated: 2025-06-25. Review status: criteria provided, single submitter. Criteria: GeneDx Variant Classification Process June 2021. Collection method: clinical testing. Allele origin: germline. Affected: yes.
Comment: Not observed at significant frequency in large population cohorts (gnomAD); In silico analysis supports that this missense variant has a deleterious effect on protein structure/function; Has not been previously published as pathogenic or benign to our knowledge